The following is an entry in ClinVar:

NM_004364.5(CEBPA):c.1071C>A (p.Cys357Ter)

Gene: CEBPA (CCAAT enhancer binding protein alpha; minus strand). Cytogenetic location: 19q13.11.
Variant type: single nucleotide variant.
Coding change: c.1071C>A on transcript NM_004364.5 (MANE Select); coding-DNA position 1071, C replaced by A.
Protein change: p.Cys357Ter; replaces cysteine 357 with a stop codon.
Molecular consequence: nonsense.
Genome position (GRCh38, 1-based): chr19:33,301,344, G>T on the plus strand (C>A on the coding strand, the complement: CEBPA is on the minus strand). VCF-style: chr19-33301344-G-T. GRCh37 (hg19) VCF-style: chr19-33792250-G-T.
Other names: c.714C>A, p.Cys238Ter (NM_001285829.2); c.1176C>A, p.Cys392Ter (NM_001287424.2); c.1029C>A, p.Cys343Ter (NM_001287435.2); short protein forms C343*, C357*, C392*, C238*.
Identifiers: ClinVar variation 1946155 (VCV001946155.5), dbSNP rs1162154287, ClinGen allele CA405273600.

ClinVar aggregate classification (germline): Uncertain significance (1 of 4 stars; one submission).

Conditions:
Acute myeloid leukemia (AML). Also called: Acute myeloid leukemia, adult; AML adult; Acute non-lymphocytic leukemia; Acute granulocytic leukemia; Leukemia, acute myeloid, somatic; Leukemia, acute myelogenous, somatic. Identifiers: Orphanet 519, MedGen C0023467, MeSH D015470, MONDO:0018874, OMIM 601626, HP:0004808. Disease mechanism: Constitutively activated FLT3.

Submission:

Labcorp Genetics (formerly Invitae), Labcorp
Classification: Uncertain significance for Acute myeloid leukemia. Last evaluated: 2025-08-07. Review status: criteria provided, single submitter. Criteria: Invitae Variant Classification Sherloc (09022015). Collection method: clinical testing. Allele origin: germline.
Comment: This sequence change creates a premature translational stop signal (p.Cys357*) in the CEBPA gene. While this is not anticipated to result in nonsense mediated decay, it is expected to disrupt the last 2 amino acid(s) of the CEBPA protein. This variant is not present in population databases (gnomAD no frequency). This variant has not been reported in the literature in individuals affected with CEBPA-related conditions. ClinVar contains an entry for this variant (Variation ID: 1946155). In summary, the available evidence is currently insufficient to determine the role of this variant in disease. Therefore, it has been classified as a Variant of Uncertain Significance.